The following is an entry in ClinVar:

NM_058216.3(RAD51C):c.622A>T (p.Ile208Phe)

Genes: RAD51C (RAD51 paralog C; plus strand), LOC129390903 (MPRA-validated peak2919 silencer; plus strand). Cytogenetic location: 17q22.
Variant type: single nucleotide variant.
Coding change: c.622A>T on transcript NM_058216.3 (MANE Select); coding-DNA position 622, A replaced by T.
Protein change: p.Ile208Phe; replaces isoleucine 208 with phenylalanine.
Molecular consequence: missense variant. On other transcripts: non-coding transcript variant (1).
Genome position (GRCh38, 1-based): chr17:58,703,246, A>T. VCF-style: chr17-58703246-A-T. GRCh37 (hg19) VCF-style: chr17-56780607-A-T.
Other names: c.*50A>T (NM_058217.1); short protein forms I208F.
Identifiers: ClinVar variation 2695444 (VCV002695444.3), dbSNP rs771078849, ClinGen allele CA400349403.

ClinVar aggregate classification (germline): Uncertain significance (1 of 4 stars; one submission).

Conditions:
Fanconi anemia complementation group O. Also called: RAD51C-Related Fanconi Anemia. Identifiers: Orphanet 84, MedGen C3150653, MONDO:0013248, OMIM 613390.

Submission:

Labcorp Genetics (formerly Invitae), Labcorp
Classification: Uncertain significance for Fanconi anemia complementation group O. Last evaluated: 2023-11-13. Review status: criteria provided, single submitter. Criteria: Invitae Variant Classification Sherloc (09022015). Collection method: clinical testing. Allele origin: germline.
Comment: This sequence change replaces isoleucine, which is neutral and non-polar, with phenylalanine, which is neutral and non-polar, at codon 208 of the RAD51C protein (p.Ile208Phe). This variant is not present in population databases (gnomAD no frequency). This variant has not been reported in the literature in individuals affected with RAD51C-related conditions. Advanced modeling of protein sequence and biophysical properties (such as structural, functional, and spatial information, amino acid conservation, physicochemical variation, residue mobility, and thermodynamic stability) performed at Invitae indicates that this missense variant is not expected to disrupt RAD51C protein function with a negative predictive value of 80%. In summary, the available evidence is currently insufficient to determine the role of this variant in disease. Therefore, it has been classified as a Variant of Uncertain Significance.